The following is an entry in ClinVar:

NM_004281.4(BAG3):c.544T>C (p.Ser182Pro)

Gene: BAG3 (BAG cochaperone 3; plus strand). Cytogenetic location: 10q26.11.
Variant type: single nucleotide variant.
Coding change: c.544T>C on transcript NM_004281.4 (MANE Select); coding-DNA position 544, T replaced by C.
Protein change: p.Ser182Pro; replaces serine 182 with proline.
Molecular consequence: missense variant.
Genome position (GRCh38, 1-based): chr10:119,672,291, T>C. VCF-style: chr10-119672291-T-C. GRCh37 (hg19) VCF-style: chr10-121431803-T-C.
Other names: short protein forms S182P.
Identifiers: ClinVar variation 3749189 (VCV003749189.2).

ClinVar aggregate classification (germline): Uncertain significance (1 of 4 stars; one submission).

Conditions:
Myofibrillar myopathy 6. Identifiers: Orphanet 199340, MedGen C2751831, MONDO:0013061, OMIM 612954.
Dilated cardiomyopathy 1HH (CMD1HH). Identifiers: Orphanet 154, MedGen C3151293, MONDO:0013479, OMIM 613881.

gnomAD v4.1: 1 of 1,613,904 alleles (0.000062%); highest among the groups gnomAD compares: Admixed American, 0.0017%; no homozygotes.

Submission:

Labcorp Genetics (formerly Invitae), Labcorp
Classification: Uncertain significance for Dilated cardiomyopathy 1HH; Myofibrillar myopathy 6. Last evaluated: 2024-09-21. Review status: criteria provided, single submitter. Criteria: Invitae Variant Classification Sherloc (09022015). Collection method: clinical testing. Allele origin: germline.
Comment: This sequence change replaces serine, which is neutral and polar, with proline, which is neutral and non-polar, at codon 182 of the BAG3 protein (p.Ser182Pro). This variant is present in population databases (no rsID available, gnomAD 0.003%). This variant has not been reported in the literature in individuals affected with BAG3-related conditions. Invitae Evidence Modeling of protein sequence and biophysical properties (such as structural, functional, and spatial information, amino acid conservation, physicochemical variation, residue mobility, and thermodynamic stability) indicates that this missense variant is not expected to disrupt BAG3 protein function with a negative predictive value of 80%. In summary, the available evidence is currently insufficient to determine the role of this variant in disease. Therefore, it has been classified as a Variant of Uncertain Significance.